The following is an entry in ClinVar:

NM_001260.3(CDK8):c.1109A>G (p.Lys370Arg)

Gene: CDK8 (cyclin dependent kinase 8; plus strand). Cytogenetic location: 13q12.13.
Variant type: single nucleotide variant.
Coding change: c.1109A>G on transcript NM_001260.3 (MANE Select); coding-DNA position 1109, A replaced by G.
Protein change: p.Lys370Arg; replaces lysine 370 with arginine.
Molecular consequence: missense variant.
Genome position (GRCh38, 1-based): chr13:26,401,346, A>G. VCF-style: chr13-26401346-A-G. GRCh37 (hg19) VCF-style: chr13-26975483-A-G.
Other names: c.1109A>G, p.Lys370Arg (NM_001318368.2); c.590A>G, p.Lys197Arg (NM_001346501.2); short protein forms K197R, K370R.
Identifiers: ClinVar variation 3360647 (VCV003360647.1).

ClinVar aggregate classification (germline): Uncertain significance (1 of 4 stars; one submission).

Submission:

GeneDx
Classification: Uncertain significance. Last evaluated: 2023-06-28. Review status: criteria provided, single submitter. Criteria: GeneDx Variant Classification Process June 2021. Collection method: clinical testing. Allele origin: germline. Affected: yes.
Comment: Not observed at significant frequency in large population cohorts (gnomAD); In silico analysis supports that this missense variant does not alter protein structure/function; Has not been previously published as pathogenic or benign to our knowledge